The following is an entry in ClinVar:

NM_004415.4(DSP):c.2796C>T (p.Asn932=)

Gene: DSP (desmoplakin; plus strand). Cytogenetic location: 6p24.3.
Variant type: single nucleotide variant.
Coding change: c.2796C>T on transcript NM_004415.4 (MANE Select); coding-DNA position 2796, C replaced by T.
Protein change: p.Asn932=; no amino-acid change (asparagine 932 retained).
Molecular consequence: synonymous variant.
Genome position (GRCh38, 1-based): chr6:7,576,961, C>T. VCF-style: chr6-7576961-C-T. GRCh37 (hg19) VCF-style: chr6-7577194-C-T.
Other names: c.2796C>T (LRG_423t1); c.2796C>T, p.Asn932= (NM_001008844.3, NM_001319034.2).
Identifiers: ClinVar variation 413264 (VCV000413264.23), dbSNP rs368981849, ClinGen allele CA035552.
Genomic context (GRCh38, chr6:7,576,961, plus strand): 5'-ATTTATTTAAAAATATTTGTATGCATTAACATTGGTAAATATTTCACTTTTTGTATAGAA[C>T]TTGCACAGTGAAATATCTGGCAAACGAGACAAATCAGAGGAAGTACAAAAAATTGCTGAA-3'
Protein context (NP_004406.2, residues 922-942): TVMRFLNEQK[Asn932=]LHSEISGKRD

ClinVar aggregate classification (germline): Benign/Likely benign. Review status: criteria provided, multiple submitters, no conflicts (2 of 4 stars). 6 submissions from 6 submitters: Benign (1); Likely benign (5). Last evaluated 2026-09-01.

Conditions:
Cardiovascular phenotype. Identifiers: MedGen CN230736.
Arrhythmogenic cardiomyopathy with wooly hair and keratoderma. Also called: Dilated cardiomyopathy with woolly hair and keratoderma; Carvajal syndrome; Arrhythmogenic cardiomyopathy with woolly hair and keratoderma; PALMOPLANTAR KERATODERMA WITH LEFT VENTRICULAR CARDIOMYOPATHY AND WOOLLY HAIR. Identifiers: Orphanet 65282, MedGen C1854063, MONDO:0011581, OMIM 605676.
Arrhythmogenic right ventricular dysplasia 8 (ARVD8). Also called: Arrhythmogenic Right Ventricular Dysplasia/Cardiomyopathy 8; ARRHYTHMOGENIC RIGHT VENTRICULAR CARDIOMYOPATHY 8; ARRHYTHMOGENIC RIGHT VENTRICULAR DYSPLASIA, FAMILIAL, 8. Identifiers: MedGen C1843896, MONDO:0011831, OMIM 607450.
Cardiomyopathy (CMYO). Also called: Cardiomyopathies. Identifiers: Orphanet 167848, MedGen C0878544, MONDO:0004994, HP:0001638. Inheritance: Various modes of inheritance.

Allele frequency attached by ClinVar (database versions not stated): gnomAD exomes 0.00004; TOPMed 0.00004; ExAC 0.00006; ESP Exome Variant Server 0.00008.
gnomAD v4.1: 70 of 1,612,780 alleles (0.0043%); highest among the groups gnomAD compares: Non-Finnish European, 0.0053%; no homozygotes.

Submissions (6):

CeGaT Center for Human Genetics Tuebingen
Classification: Likely benign. Last evaluated: 2026-09-01. Review status: criteria provided, single submitter. Criteria: CeGaT Center For Human Genetics Tuebingen Variant Classification Criteria Version 2. Collection method: clinical testing. Allele origin: germline. Affected: yes. Observed: 1 variant allele.
Comment: DSP: BP4, BP7

Labcorp Genetics (formerly Invitae), Labcorp
Classification: Likely benign for Arrhythmogenic cardiomyopathy with wooly hair and keratoderma; Arrhythmogenic right ventricular dysplasia 8. Last evaluated: 2026-01-25. Review status: criteria provided, single submitter. Criteria: Invitae Variant Classification Sherloc (09022015). Collection method: clinical testing. Allele origin: germline.

Blueprint Genetics
Classification: Likely benign. Last evaluated: 2024-09-23. Review status: criteria provided, single submitter. Criteria: ACMG Guidelines, 2015. Collection method: clinical testing. Allele origin: germline.

Ambry Genetics
Classification: Likely benign for Cardiovascular phenotype. Last evaluated: 2022-07-06. Review status: criteria provided, single submitter. Criteria: Ambry Variant Classification Scheme 2023. Collection method: clinical testing. Allele origin: germline.

Color Diagnostics, LLC DBA Color Health
Classification: Likely benign for Cardiomyopathy. Last evaluated: 2019-07-26. Review status: criteria provided, single submitter. Criteria: ACMG Guidelines, 2015. Collection method: clinical testing. Allele origin: germline.

GeneDx
Classification: Benign. Last evaluated: 2015-03-03. Review status: criteria provided, single submitter. Criteria: GeneDx Variant Classification Process June 2021. Collection method: clinical testing. Allele origin: germline. Affected: yes.